The following is an entry in ClinVar:

NM_144672.4(OTOA):c.1354G>A (p.Ala452Thr)

Gene: OTOA (otoancorin). Cytogenetic location: 16p12.2.
Variant type: single nucleotide variant.
Coding change: c.1354G>A on transcript NM_144672.4 (MANE Select); coding-DNA position 1354, G replaced by A.
Protein change: p.Ala452Thr; replaces alanine 452 with threonine.
Molecular consequence: missense variant.
Genome position (GRCh38, 1-based): chr16:21,715,018, G>A. VCF-style: chr16-21715018-G-A. GRCh37 (hg19) VCF-style: chr16-21726339-G-A.
Other names: c.1117G>A, p.Ala373Thr (NM_001161683.2); c.382G>A, p.Ala128Thr (NM_170664.3); short protein forms A452T, A128T, A373T.
Identifiers: ClinVar variation 290815 (VCV000290815.7), dbSNP rs761846855, ClinGen allele CA7952610.

ClinVar aggregate classification (germline): Uncertain significance. Review status: criteria provided, multiple submitters, no conflicts (2 of 4 stars). 2 submissions from 2 submitters: Uncertain significance (2). Last evaluated 2024-10-25.

Allele frequency attached by ClinVar (database versions not stated): TOPMed 0.00001; gnomAD 0.00002.
gnomAD v4.1: 14 of 1,614,092 alleles (0.00087%); highest among the groups gnomAD compares: African/African-American, 0.0027%; no homozygotes.

Submissions (2):

Labcorp Genetics (formerly Invitae), Labcorp
Classification: Uncertain significance. Last evaluated: 2024-10-25. Review status: criteria provided, single submitter. Criteria: Invitae Variant Classification Sherloc (09022015). Collection method: clinical testing. Allele origin: germline.
Comment: This sequence change replaces alanine, which is neutral and non-polar, with threonine, which is neutral and polar, at codon 452 of the OTOA protein (p.Ala452Thr). This variant is present in population databases (rs761846855, gnomAD 0.003%). This variant has not been reported in the literature in individuals affected with OTOA-related conditions. ClinVar contains an entry for this variant (Variation ID: 290815). An algorithm developed to predict the effect of missense changes on protein structure and function (PolyPhen-2) suggests that this variant is likely to be tolerated. In summary, the available evidence is currently insufficient to determine the role of this variant in disease. Therefore, it has been classified as a Variant of Uncertain Significance.

Eurofins Ntd Llc (ga)
Classification: Uncertain significance. Last evaluated: 2016-08-25. Review status: criteria provided, single submitter. Criteria: EGL Classification Definitions 2015. Collection method: clinical testing. Allele origin: germline. Observed: 1 variant allele, 1 heterozygote.